The following is an entry in ClinVar:

ClinVar aggregate classification (germline): Uncertain significance (1 of 4 stars; one submission).

Conditions:
Kabuki syndrome 2 (KABUK2). Also called: KDM6A-Related Kabuki Syndrome. Identifiers: Orphanet 2322, MedGen C3275495, MONDO:0010465, OMIM 300867.

Submission:

Labcorp Genetics (formerly Invitae), Labcorp
Classification: Uncertain significance for Kabuki syndrome 2. Last evaluated: 2022-03-25. Review status: criteria provided, single submitter. Criteria: Invitae Variant Classification Sherloc (09022015). Collection method: clinical testing. Allele origin: germline.
Comment: In summary, the available evidence is currently insufficient to determine the role of this variant in disease. Therefore, it has been classified as a Variant of Uncertain Significance. Algorithms developed to predict the effect of missense changes on protein structure and function are either unavailable or do not agree on the potential impact of this missense change (SIFT: "Deleterious"; PolyPhen-2: "Benign"; Align-GVGD: "Class C15"). This missense change has been observed in at least one individual who was not affected with KDM6A-related conditions (Invitae). This variant has not been reported in the literature in individuals affected with KDM6A-related conditions. This variant is not present in population databases (gnomAD no frequency). This sequence change replaces asparagine, which is neutral and polar, with aspartic acid, which is acidic and polar, at codon 1235 of the KDM6A protein (p.Asn1235Asp).

NM_001291415.2(KDM6A):c.3859A>G (p.Asn1287Asp)

Gene: KDM6A (lysine demethylase 6A; plus strand). Cytogenetic location: Xp11.3.
Variant type: single nucleotide variant.
Coding change: c.3859A>G on transcript NM_001291415.2 (MANE Select); coding-DNA position 3859, A replaced by G.
Protein change: p.Asn1287Asp; replaces asparagine 1287 with aspartic acid.
Molecular consequence: missense variant. On other transcripts: non-coding transcript variant (1).
Genome position (GRCh38, 1-based): chrX:45,089,897, A>G. VCF-style: chrX-45089897-A-G. GRCh37 (hg19) VCF-style: chrX-44949142-A-G.
Other names: c.3724A>G, p.Asn1242Asp (NM_001291416.2); c.3568A>G, p.Asn1190Asp (NM_001291417.2); c.3466A>G, p.Asn1156Asp (NM_001291418.2); c.2815A>G, p.Asn939Asp (NM_001291421.2); c.3601A>G, p.Asn1201Asp (NM_001410742.1); c.3703A>G, p.Asn1235Asp (NM_021140.4); short protein forms N1242D, N1190D, N1156D, N1201D, N1287D, N1235D, N939D.
Identifiers: ClinVar variation 2095259 (VCV002095259.4), dbSNP rs1351197434, ClinGen allele CA412807547.